The following is an entry in ClinVar:

NM_018897.3(DNAH7):c.8326C>T (p.Pro2776Ser)

Gene: DNAH7 (dynein axonemal heavy chain 7; minus strand). Cytogenetic location: 2q32.3.
Variant type: single nucleotide variant.
Coding change: c.8326C>T on transcript NM_018897.3 (MANE Select); coding-DNA position 8326, C replaced by T.
Protein change: p.Pro2776Ser; replaces proline 2776 with serine.
Molecular consequence: missense variant.
Genome position (GRCh38, 1-based): chr2:195,857,465, G>A on the plus strand (C>T on the coding strand, the complement: DNAH7 is on the minus strand). VCF-style: chr2-195857465-G-A. GRCh37 (hg19) VCF-style: chr2-196722189-G-A.
Other names: short protein forms P2776S.
Identifiers: ClinVar variation 2651775 (VCV002651775.24), dbSNP rs1699777751, ClinGen allele CA349937447.

ClinVar aggregate classification (germline): Uncertain significance (1 of 4 stars; one submission).

gnomAD v4.1: 1 of 1,613,426 alleles (0.000062%); highest among the groups gnomAD compares: Non-Finnish European, 0.000085%; no homozygotes.

Submission:

CeGaT Center for Human Genetics Tuebingen
Classification: Uncertain significance. Last evaluated: 2022-11-01. Review status: criteria provided, single submitter. Criteria: CeGaT Center For Human Genetics Tuebingen Variant Classification Criteria Version 2. Collection method: clinical testing. Allele origin: germline. Affected: yes. Observed: 1 variant allele.
Comment: DNAH7: PM2